The following is an entry in ClinVar:

NM_201596.3(CACNB2):c.238C>G (p.Arg80Gly)

Gene: CACNB2 (calcium voltage-gated channel auxiliary subunit beta 2; plus strand). Cytogenetic location: 10p12.31.
Variant type: single nucleotide variant.
Coding change: c.238C>G on transcript NM_201596.3 (MANE Select); coding-DNA position 238, C replaced by G.
Protein change: p.Arg80Gly; replaces arginine 80 with glycine.
Molecular consequence: missense variant.
Genome position (GRCh38, 1-based): chr10:18,401,948, C>G. VCF-style: chr10-18401948-C-G. GRCh37 (hg19) VCF-style: chr10-18690877-C-G.
Other names: c.73C>G, p.Arg25Gly (NM_000724.4, NM_001330060.2); c.154C>G, p.Arg52Gly (NM_001167945.2, NM_201571.4, NM_201572.4); c.94C>G, p.Arg32Gly (NM_201570.3); c.76C>G, p.Arg26Gly (NM_201590.3); c.238C>G, p.Arg80Gly (NM_201593.3, NM_201597.3); short protein forms R26G, R80G, R52G, R25G, R32G.
Identifiers: ClinVar variation 546339 (VCV000546339.2), dbSNP rs1554810555, ClinGen allele CA376219430.

ClinVar aggregate classification (germline): Uncertain significance (1 of 4 stars; one submission).

Allele frequency attached by ClinVar (database versions not stated): TOPMed below 0.00001.

Submission:

GeneDx
Classification: Uncertain significance. Last evaluated: 2018-05-16. Review status: criteria provided, single submitter. Criteria: GeneDx Variant Classification (06012015). Collection method: clinical testing. Allele origin: germline. Affected: yes.
Comment: A variant of uncertain significance has been identified in the CACNB2 gene. The R26G variant has not been published as pathogenic or been reported as benign to our knowledge. This variant is also not observed in large population cohorts (Lek et al., 2016). The R26G variant is a non-conservative amino acid substitution, which is likely to impact secondary protein structure as these residues differ in polarity, charge, size and/or other properties. In-silico analyses, including protein predictors and evolutionary conservation, support a deleterious effect. Nevertheless, this variant has not been observed in a significant number of affected individuals, and it lacks both segregation and functional studies which would further clarify its pathogenicity.